The following is an entry in ClinVar:

ClinVar aggregate classification (germline): Uncertain significance. Review status: criteria provided, multiple submitters, no conflicts (2 of 4 stars). 2 submissions from 2 submitters: Uncertain significance (2). Last evaluated 2023-05-19.

Allele frequency attached by ClinVar (database versions not stated): gnomAD exomes 0.00001; TOPMed 0.00001; ExAC 0.00002.
gnomAD v4.1: 15 of 1,613,054 alleles (0.00093%); highest among the groups gnomAD compares: Non-Finnish European, 0.0013%; no homozygotes.

Submissions (2):

GeneDx
Classification: Uncertain significance. Last evaluated: 2023-05-19. Review status: criteria provided, single submitter. Criteria: GeneDx Variant Classification Process June 2021. Collection method: clinical testing. Allele origin: germline. Affected: yes.
Comment: Not observed at significant frequency in large population cohorts (gnomAD); Missense variant in a gene in which most reported pathogenic variants are truncating/loss of function; Has not been previously published as pathogenic or benign to our knowledge

Laboratory for Molecular Medicine, Mass General Brigham Personalized Medicine
Classification: Uncertain significance. Last evaluated: 2018-04-06. Review status: criteria provided, single submitter. Criteria: LMM Criteria. Collection method: clinical testing. Allele origin: germline. Observed: 1 variant allele.
Comment: The p.Thr17024Ala variant in TTN has not been previously reported in individuals with cardiomyopathy, but has been identified in 2/111250 of European chromosome s by the Genome Aggregation Database (gnomAD; dbSNP rs769094173). Computational prediction tools and conservation analysis sug gest that the p.Thr17024Ala variant may impact the protein, though this informat ion is not predictive enough to determine pathogenicity. In summary, the clinica l significance of the p.Thr17024Ala variant is uncertain. ACMG/AMP Criteria appl ied: PM2; PP3.

NM_001267550.2(TTN):c.58774A>G (p.Thr19592Ala)

Genes: TTN (titin; minus strand), TTN-AS1 (TTN antisense RNA 1; plus strand). Cytogenetic location: 2q31.2.
Variant type: single nucleotide variant.
Coding change: c.58774A>G on transcript NM_001267550.2 (MANE Select); coding-DNA position 58774, A replaced by G.
Protein change: p.Thr19592Ala; replaces threonine 19592 with alanine.
Molecular consequence: missense variant.
Genome position (GRCh38, 1-based): chr2:178,593,434, T>C on the plus strand (A>G on the coding strand, the complement: TTN is on the minus strand). VCF-style: chr2-178593434-T-C. GRCh37 (hg19) VCF-style: chr2-179458161-T-C.
Other names: c.53851A>G, p.Thr17951Ala (NM_001256850.1); c.31579A>G, p.Thr10527Ala (NM_003319.4); c.51070A>G, p.Thr17024Ala (NM_133378.4); c.31954A>G, p.Thr10652Ala (NM_133432.3); c.32155A>G, p.Thr10719Ala (NM_133437.4); c.58774A>G (NM_001267550.1); short protein forms T10527A, T10652A, T17024A, T17951A, T10719A, T19592A.
Identifiers: ClinVar variation 667350 (VCV000667350.5), dbSNP rs769094173, ClinGen allele CA1992780.
Genomic context (GRCh38, chr2:178,593,434, plus strand): 5'-TTGTGATGGGTTTTCCTCCATCATGTGGCTTATTCCAGGTTACTAATGCAGAGTCTTTGG[T>C]AACTTCTGTAACAATTGGCTGATCAGGTGCATCAGGAACCCCTGTAACAAATGTTGGAAA-3'
Protein context (NP_001254479.2, residues 19582-19602): APDQPIVTEV[Thr19592Ala]KDSALVTWNK